The following is an entry in ClinVar:

ClinVar aggregate classification (germline): Pathogenic (1 of 4 stars; one submission).

Conditions:
DNA ligase IV deficiency. Identifiers: Orphanet 99812, MedGen C1847827, MONDO:0011686, OMIM 606593.

Submission:

Labcorp Genetics (formerly Invitae), Labcorp
Classification: Pathogenic for DNA ligase IV deficiency. Last evaluated: 2022-04-28. Review status: criteria provided, single submitter. Criteria: Invitae Variant Classification Sherloc (09022015). Collection method: clinical testing. Allele origin: germline.
Comment: This sequence change creates a premature translational stop signal (p.Gly346Valfs*2) in the LIG4 gene. While this is not anticipated to result in nonsense mediated decay, it is expected to disrupt the last 566 amino acid(s) of the LIG4 protein. This variant is not present in population databases (gnomAD no frequency). For these reasons, this variant has been classified as Pathogenic. This variant disrupts a region of the LIG4 protein in which other variant(s) (p.Arg814*) have been determined to be pathogenic (PMID: 11779494, 15333585, 23337116, 24123394, 24892279, 27063650). This suggests that this is a clinically significant region of the protein, and that variants that disrupt it are likely to be disease-causing. This variant has not been reported in the literature in individuals affected with LIG4-related conditions.

Literature cited by the submitters: PubMed 11779494; PubMed 15333585; PubMed 23337116; PubMed 24123394; PubMed 24892279; PubMed 27063650.

NM_206937.2(LIG4):c.1037_1044del (p.Gly346fs)

Gene: LIG4 (DNA ligase 4; minus strand). Cytogenetic location: 13q33.3.
Variant type: Deletion.
Coding change: c.1037_1044del on transcript NM_206937.2 (MANE Select); coding-DNA positions 1037 to 1044, 8 bases deleted (GAACTAAG; older notation c.1037_1044delGAACTAAG).
Protein change: p.Gly346fs; shifts the reading frame from glycine 346.
Molecular consequence: frameshift variant.
Genome position (GRCh38, 1-based): chr13:108,210,225-108,210,232, CTTAGTTC deleted on the plus strand (GAACTAAG on the coding strand, the reverse complement: LIG4 is on the minus strand); deleting any 8 consecutive bases within chr13:108,210,225-108,210,233 gives the same sequence; the c. name uses the placement nearest the transcript's 3' end. VCF-style (leftmost placement, unchanged base first): chr13-108210224-ACTTAGTTC-A. GRCh37 (hg19) VCF-style: chr13-108862572-ACTTAGTTC-A.
Other names: c.1037_1044del, p.Gly346fs (NM_001098268.2, NM_001352598.2, NM_001352599.2 and 6 more transcripts); c.836_843del, p.Gly279fs (NM_001330595.2); c.1073_1080del, p.Gly358fs (NM_001352604.2); short protein forms G279fs, G358fs, G346fs.
Identifiers: ClinVar variation 2131256 (VCV002131256.4), dbSNP rs2501609911, ClinGen allele CA2580087281.